The following is an entry in ClinVar:

NM_006208.3(ENPP1):c.436A>C (p.Ile146Leu)

Gene: ENPP1 (ectonucleotide pyrophosphatase/phosphodiesterase 1; plus strand). Cytogenetic location: 6q23.2.
Variant type: single nucleotide variant.
Coding change: c.436A>C on transcript NM_006208.3 (MANE Select); coding-DNA position 436, A replaced by C.
Protein change: p.Ile146Leu; replaces isoleucine 146 with leucine.
Molecular consequence: missense variant.
Genome position (GRCh38, 1-based): chr6:131,851,147, A>C. VCF-style: chr6-131851147-A-C. GRCh37 (hg19) VCF-style: chr6-132172287-A-C.
Other names: short protein forms I146L.
Identifiers: ClinVar variation 2698107 (VCV002698107.3), dbSNP rs866637183, ClinGen allele CA147926200.
Genomic context (GRCh38, chr6:131,851,147, plus strand): 5'-TTTGGACATGTTGAATTTGAGACATAAAACACATTTTGCTGATGTTTGTTTCTAGAACAT[A>C]TATGGACTTGCAACAAATTCAGGTGTGGTGAGAAAAGGTTGACCAGAAGCCTCTGTGCCT-3'
Protein context (NP_006199.2, residues 136-156): YQETCIEPEH[Ile146Leu]WTCNKFRCGE

ClinVar aggregate classification (germline): Uncertain significance (1 of 4 stars; one submission).

gnomAD v4.1: 1 of 1,614,072 alleles (0.000062%); highest among the groups gnomAD compares: Non-Finnish European, 0.000085%; no homozygotes.

Submission:

Labcorp Genetics (formerly Invitae), Labcorp
Classification: Uncertain significance. Last evaluated: 2023-11-22. Review status: criteria provided, single submitter. Criteria: Invitae Variant Classification Sherloc (09022015). Collection method: clinical testing. Allele origin: germline.
Comment: This sequence change replaces isoleucine, which is neutral and non-polar, with leucine, which is neutral and non-polar, at codon 146 of the ENPP1 protein (p.Ile146Leu). This variant is present in population databases (no rsID available, gnomAD 0.0009%). This variant has not been reported in the literature in individuals affected with ENPP1-related conditions. Advanced modeling of protein sequence and biophysical properties (such as structural, functional, and spatial information, amino acid conservation, physicochemical variation, residue mobility, and thermodynamic stability) performed at Invitae indicates that this missense variant is not expected to disrupt ENPP1 protein function with a negative predictive value of 80%. In summary, the available evidence is currently insufficient to determine the role of this variant in disease. Therefore, it has been classified as a Variant of Uncertain Significance.